The following is an entry in ClinVar:

NM_000552.5(VWF):c.1050C>T (p.Cys350=)

Gene: VWF (von Willebrand factor; minus strand). Cytogenetic location: 12p13.31.
Variant type: single nucleotide variant.
Coding change: c.1050C>T on transcript NM_000552.5 (MANE Select); coding-DNA position 1050, C replaced by T.
Protein change: p.Cys350=; no amino-acid change (cysteine 350 retained).
Molecular consequence: synonymous variant.
Genome position (GRCh38, 1-based): chr12:6,072,390, G>A on the plus strand (C>T on the coding strand, the complement: VWF is on the minus strand). VCF-style: chr12-6072390-G-A. GRCh37 (hg19) VCF-style: chr12-6181556-G-A.
Identifiers: ClinVar variation 4981406 (VCV004981406.1).
Genomic context (GRCh38, chr12:6,072,390, plus strand): 5'-CCAGGTGTTGCAGTCTCGAGAGAGGGAGGTGCCGGGAGGGTAGCGCTTTCCGGAATGCAC[G>A]CAGGGACACTCGGTGCTCTCCACGCAGAGGCCTTCATCCAGGAGCTGTCCCTCTGGGGTC-3'
Protein context (NP_000543.3, residues 340-360): GLCVESTECP[Cys350=]VHSGKRYPPG

ClinVar aggregate classification (germline): Likely benign (1 of 4 stars; one submission).

Conditions:
VWF-related disorder. Also called: VWF-related disorders; VWF-related condition.

gnomAD v4.1: 78 of 1,613,994 alleles (0.0048%); highest among the groups gnomAD compares: African/African-American, 0.084%; no homozygotes.

Submission:

PreventionGenetics, part of Exact Sciences
Classification: Likely benign for VWF-related condition. Last evaluated: 2026-06-01. Review status: criteria provided, single submitter. Criteria: ACMG Guidelines, 2015. Collection method: clinical testing. Allele origin: germline.
Comment: This variant is classified as likely benign based on ACMG/AMP sequence variant interpretation guidelines (Richards et al. 2015 PMID: 25741868, with internal and published modifications).